The following is an entry in ClinVar:

NM_001195553.2(DCX):c.554T>A (p.Ile185Asn)

Gene: DCX (doublecortin; minus strand). Cytogenetic location: Xq23.
Variant type: single nucleotide variant.
Coding change: c.554T>A on transcript NM_001195553.2 (MANE Select); coding-DNA position 554, T replaced by A.
Protein change: p.Ile185Asn; replaces isoleucine 185 with asparagine.
Molecular consequence: missense variant.
Genome position (GRCh38, 1-based): chrX:111,401,141, A>T on the plus strand (T>A on the coding strand, the complement: DCX is on the minus strand). VCF-style: chrX-111401141-A-T. GRCh37 (hg19) VCF-style: chrX-110644369-A-T.
Other names: c.797T>A, p.Ile266Asn (NM_000555.3); c.554T>A, p.Ile185Asn (NM_001369370.1, NM_001369371.1, NM_001369372.1 and 6 more transcripts); short protein forms I185N, I266N.
Identifiers: ClinVar variation 3667488 (VCV003667488.2).
Genomic context (GRCh38, chrX:111,401,141, plus strand): 5'-TGGGCTGTCTTCTTGTTCAGAAGCACACGCACAGCCTTCCGAGGCTTCACCCCACTGCGG[A>T]TGATGGTAACCAGCTTGGGGCGCACAAAGTCCTTGTTCTCCCTGGCCTGTGCACTGTTGC-3'
Protein context (NP_001182482.1, residues 175-195): DFVRPKLVTI[Ile185Asn]RSGVKPRKAV

ClinVar aggregate classification (germline): Uncertain significance (1 of 4 stars; one submission).

Submission:

Labcorp Genetics (formerly Invitae), Labcorp
Classification: Uncertain significance. Last evaluated: 2024-09-30. Review status: criteria provided, single submitter. Criteria: Invitae Variant Classification Sherloc (09022015). Collection method: clinical testing. Allele origin: germline.
Comment: This sequence change replaces isoleucine, which is neutral and non-polar, with asparagine, which is neutral and polar, at codon 185 of the DCX protein (p.Ile185Asn). This variant is not present in population databases (gnomAD no frequency). This variant has not been reported in the literature in individuals affected with DCX-related conditions. Invitae Evidence Modeling of protein sequence and biophysical properties (such as structural, functional, and spatial information, amino acid conservation, physicochemical variation, residue mobility, and thermodynamic stability) indicates that this missense variant is expected to disrupt DCX protein function with a positive predictive value of 80%. In summary, the available evidence is currently insufficient to determine the role of this variant in disease. Therefore, it has been classified as a Variant of Uncertain Significance.